The following is an entry in ClinVar:

NM_000112.4(SLC26A2):c.121C>T (p.Gln41Ter)

Gene: SLC26A2 (solute carrier family 26 member 2; plus strand). Cytogenetic location: 5q32.
Variant type: single nucleotide variant.
Coding change: c.121C>T on transcript NM_000112.4 (MANE Select); coding-DNA position 121, C replaced by T.
Protein change: p.Gln41Ter; replaces glutamine 41 with a stop codon.
Molecular consequence: nonsense.
Genome position (GRCh38, 1-based): chr5:149,977,773, C>T. VCF-style: chr5-149977773-C-T. GRCh37 (hg19) VCF-style: chr5-149357336-C-T.
Other names: short protein forms Q41*.
Identifiers: ClinVar variation 3591887 (VCV003591887.2).
Genomic context (GRCh38, chr5:149,977,773, plus strand): 5'-GACAGTTATCCATCTGGGATCCATCTGGAACTTCAAAGGGAATCAAGTACTGACTTCAAG[C>T]AATTTGAGACCAATGATCAATGCAGACCTTATCATAGGATCCTTATTGAGCGTCAAGAGA-3'

ClinVar aggregate classification (germline): Likely pathogenic. Review status: criteria provided, multiple submitters, no conflicts (2 of 4 stars). 2 submissions from 2 submitters: Likely pathogenic (2). Last evaluated 2025-12-22.

Conditions:
Achondrogenesis, type IB (ACG1B). Also called: Achondrogenesis Type 1B. Identifiers: Orphanet 932, Orphanet 93298, MedGen C0265274, MONDO:0010966, OMIM 600972.
Diastrophic dysplasia (DTD). Also called: Diastrophic dwarfism. Identifiers: Orphanet 628, MedGen C0220726, MONDO:0009107, OMIM 222600.
Multiple epiphyseal dysplasia type 4 (EDM4). Also called: MULTIPLE EPIPHYSEAL DYSPLASIA WITH BILAYERED PATELLAE; MULTIPLE EPIPHYSEAL DYSPLASIA WITH CLUBFOOT; MULTIPLE EPIPHYSEAL DYSPLASIA, AUTOSOMAL RECESSIVE; Multiple Epiphyseal Dysplasia, Recessive; SLC26A2-Related Multiple Epiphyseal Dysplasia. Identifiers: Orphanet 93307, MedGen C1847593, MONDO:0009189, OMIM 226900.
Atelosteogenesis type II (AO2). Also called: NEONATAL OSSEOUS DYSPLASIA I; SLC26A2-Related Atelosteogenesis; Neonatal osseous dysplasia 1. Identifiers: Orphanet 56304, MedGen C1850554, MONDO:0009727, OMIM 256050.

Submissions (2):

Natera, Inc.
Classification: Likely pathogenic for Achondrogenesis type IB. Last evaluated: 2025-12-22. Review status: criteria provided, single submitter. Criteria: Natera Variant Classification Schema (03/2026). Collection method: clinical testing. Allele origin: germline.
Comment: The c.121C>T variant in SLC26A2 is a nonsense variant predicted to introduce a stop codon at amino acid 41. This variant is expected to result in nonsense mediated decay, truncation, or a dysfunctional protein product. This variant is rare in the general population with a frequency below the threshold expected for the associated phenotype(s). Given the available evidence, this variant is classified as Likely Pathogenic.

Fulgent Genetics
Classification: Likely pathogenic for Diastrophic dysplasia; Multiple epiphyseal dysplasia type 4; Atelosteogenesis type II; Achondrogenesis, type IB. Last evaluated: 2024-01-20. Review status: criteria provided, single submitter. Criteria: ACMG Guidelines, 2015. Collection method: clinical testing. Allele origin: germline.